The following is an entry in ClinVar:

ClinVar aggregate classification (germline): Likely pathogenic (1 of 4 stars; one submission).

Conditions:
Glomuvenous malformation. Also called: GLOMANGIOMAS, MULTIPLE; GLOMUS TUMORS, MULTIPLE; VENOUS MALFORMATIONS WITH GLOMUS CELLS; Familial glomangioma. Identifiers: Orphanet 83454, MedGen C1841984, MONDO:0007672, OMIM 138000.

Submission:

Juno Genomics, Hangzhou Juno Genomics, Inc
Classification: Likely pathogenic for Glomuvenous malformation. Review status: criteria provided, single submitter. Criteria: ACMG Guidelines, 2015. Collection method: clinical testing. Allele origin: germline.
Comment: Absent from controls (or at extremely low frequency if recessive) in Genome Aggregation Database.;Null variant in a gene where loss of function (LOF) is a known mechanism of disease.

NM_053274.3(GLMN):c.1585G>T (p.Glu529Ter)

Gene: GLMN (glomulin; minus strand). Cytogenetic location: 1p22.1.
Variant type: single nucleotide variant.
Coding change: c.1585G>T on transcript NM_053274.3 (MANE Select); coding-DNA position 1585, G replaced by T.
Protein change: p.Glu529Ter; replaces glutamic acid 529 with a stop codon.
Molecular consequence: nonsense. On other transcripts: non-coding transcript variant (1).
Genome position (GRCh38, 1-based): chr1:92,247,878, C>A on the plus strand (G>T on the coding strand, the complement: GLMN is on the minus strand). VCF-style: chr1-92247878-C-A. GRCh37 (hg19) VCF-style: chr1-92713435-C-A.
Other names: c.1543G>T, p.Glu515Ter (NM_001319683.2); short protein forms E515*, E529*.
Identifiers: ClinVar variation 3767101 (VCV003767101.3).